The following is an entry in ClinVar:

NM_199420.4(POLQ):c.5431G>T (p.Asp1811Tyr)

Gene: POLQ (DNA polymerase theta; minus strand). Cytogenetic location: 3q13.33.
Variant type: single nucleotide variant.
Coding change: c.5431G>T on transcript NM_199420.4 (MANE Select); coding-DNA position 5431, G replaced by T.
Protein change: p.Asp1811Tyr; replaces aspartic acid 1811 with tyrosine.
Molecular consequence: missense variant.
Genome position (GRCh38, 1-based): chr3:121,487,500, C>A on the plus strand (G>T on the coding strand, the complement: POLQ is on the minus strand). VCF-style: chr3-121487500-C-A. GRCh37 (hg19) VCF-style: chr3-121206347-C-A.
Other names: short protein forms D1811Y.
Identifiers: ClinVar variation 2449172 (VCV002449172.2), dbSNP rs1305889963, ClinGen allele CA354090201.

ClinVar aggregate classification (germline): Uncertain significance (1 of 4 stars; one submission).

Allele frequency attached by ClinVar (database versions not stated): gnomAD 0.00001.
gnomAD v4.1: 2 of 1,613,954 alleles (0.00012%); highest among the groups gnomAD compares: Admixed American, 0.0033%; no homozygotes.

Submission:

Ambry Genetics
Classification: Uncertain significance. Last evaluated: 2022-11-10. Review status: criteria provided, single submitter. Criteria: Ambry Variant Classification Scheme 2023. Collection method: clinical testing. Allele origin: germline.
Comment: The p.D1811Y variant (also known as c.5431G>T), located in coding exon 16 of the POLQ gene, results from a G to T substitution at nucleotide position 5431. The aspartic acid at codon 1811 is replaced by tyrosine, an amino acid with highly dissimilar properties. This amino acid position is conserved. In addition, the in silico prediction for this alteration is inconclusive. Since supporting evidence is limited at this time, the clinical significance of this alteration remains unclear.